The following is an entry in ClinVar:

NM_001177316.2(SLC34A3):c.1502del (p.Leu501fs)

Gene: SLC34A3 (solute carrier family 34 member 3; plus strand). Cytogenetic location: 9q34.3.
Variant type: Deletion.
Coding change: c.1502del on transcript NM_001177316.2 (MANE Select); coding-DNA position 1502, one base deleted (T; older notation c.1502delT).
Protein change: p.Leu501fs; shifts the reading frame from leucine 501.
Molecular consequence: frameshift variant.
Genome position (GRCh38, 1-based): chr9:137,236,118, T deleted. VCF-style (leftmost placement, unchanged base first): chr9-137236117-CT-C. GRCh37 (hg19) VCF-style: chr9-140130569-CT-C.
Other names: c.1502del, p.Leu501fs (NM_001177317.2, NM_080877.3); short protein forms L501fs.
Identifiers: ClinVar variation 855268 (VCV000855268.11), dbSNP rs1836579405, ClinGen allele CA916083097.

ClinVar aggregate classification (germline): Pathogenic/Likely pathogenic. Review status: criteria provided, multiple submitters, no conflicts (2 of 4 stars). 2 submissions from 2 submitters: Pathogenic (1); Likely pathogenic (1). Last evaluated 2024-05-30.

Conditions:
Autosomal recessive hypophosphatemic bone disease (HHRH). Also called: HYPERCALCIURIC RICKETS; Hypophosphatemic rickets with hypercalciuria. Identifiers: Orphanet 157215, MedGen C1853271, MONDO:0009431, OMIM 241530.

Submissions (2):

Fulgent Genetics
Classification: Likely pathogenic for Autosomal recessive hypophosphatemic bone disease. Last evaluated: 2024-05-30. Review status: criteria provided, single submitter. Criteria: ACMG Guidelines, 2015. Collection method: clinical testing. Allele origin: germline.

Labcorp Genetics (formerly Invitae), Labcorp
Classification: Pathogenic. Last evaluated: 2019-12-31. Review status: criteria provided, single submitter. Criteria: Invitae Variant Classification Sherloc (09022015). Collection method: clinical testing. Allele origin: germline.
Comment: For these reasons, this variant has been classified as Pathogenic. This variant disrupts the C-terminus of the SLC34A3 protein. Other variant(s) that disrupt this region (p.Trp541*) have been determined to be pathogenic (PMID: 31440709). This suggests that variants that disrupt this region of the protein are likely to be causative of disease. This variant has not been reported in the literature in individuals with SLC34A3-related conditions. This variant is not present in population databases (ExAC no frequency). This sequence change results in a premature translational stop signal in the SLC34A3 gene (p.Leu501Argfs*66). While this is not anticipated to result in nonsense mediated decay, it is expected to disrupt the last 99 amino acids of the SLC34A3 protein.

Literature cited by the submitters: PubMed 31440709 (cited by Labcorp Genetics (formerly Invitae), Labcorp).